The following is an entry in ClinVar:

ClinVar aggregate classification (germline): Benign. Review status: criteria provided, multiple submitters, no conflicts (2 of 4 stars). 5 submissions from 5 submitters: Benign (4). 1 of the submissions does not count toward it. Last evaluated 2024-11-27.

Conditions:
EIF3F-related disorder. Also called: EIF3F-related condition.
Intellectual developmental disorder, autosomal recessive 67. Also called: MENTAL RETARDATION, AUTOSOMAL RECESSIVE 67. Identifiers: MedGen C4749019, MONDO:0032662, OMIM 618295.

Allele frequency attached by ClinVar (database versions not stated): ESP Exome Variant Server 0.65569; gnomAD 0.66119 and 0.66734; TOPMed 0.66514; 1000 Genomes Project 30x 0.68629; 1000 Genomes Project 0.68830; ExAC 0.71473; gnomAD exomes 0.72087 and 0.72441.
gnomAD v4.1: 1,159,722 of 1,613,468 alleles (72%); highest among the groups gnomAD compares: East Asian, 85%; 419,661 homozygotes.

Submissions (5):

Blueprint Genetics
Classification: Benign. Last evaluated: 2024-11-27. Review status: criteria provided, single submitter. Criteria: ACMG Guidelines, 2015. Collection method: clinical testing. Allele origin: germline.

GeneDx
Classification: Benign. Last evaluated: 2021-10-30. Review status: criteria provided, single submitter. Criteria: GeneDx Variant Classification Process June 2021. Collection method: clinical testing. Allele origin: germline. Affected: yes.

Genome-Nilou Lab
Classification: Benign for Intellectual developmental disorder, autosomal recessive 67. Last evaluated: 2021-07-30. Review status: criteria provided, single submitter. Criteria: ACMG Guidelines, 2015. Collection method: clinical testing. Allele origin: germline. Affected: no.

Breakthrough Genomics
Classification: Benign. Review status: criteria provided, single submitter. Criteria: ACMG Guidelines, 2015. Collection method: not provided. Allele origin: germline. Inheritance: Autosomal recessive inheritance. Affected: yes.

PreventionGenetics, part of Exact Sciences
Classification: Benign for EIF3F-related condition. Last evaluated: 2019-10-17. Review status: no assertion criteria provided. Collection method: clinical testing. Allele origin: germline. Not counted in ClinVar's aggregate classification.
Comment: This variant is classified as benign based on ACMG/AMP sequence variant interpretation guidelines (Richards et al. 2015 PMID: 25741868, with internal and published modifications).

NM_003754.3(EIF3F):c.561C>T (p.His187=)

Gene: EIF3F (eukaryotic translation initiation factor 3 subunit F; plus strand). Cytogenetic location: 11p15.4.
Variant type: single nucleotide variant.
Coding change: c.561C>T on transcript NM_003754.3 (MANE Select); coding-DNA position 561, C replaced by T.
Protein change: p.His187=; no amino-acid change (histidine 187 retained).
Molecular consequence: synonymous variant.
Genome position (GRCh38, 1-based): chr11:7,992,932, C>T. VCF-style: chr11-7992932-C-T. GRCh37 (hg19) VCF-style: chr11-8014479-C-T.
Other names: c.561C>T (NM_003754.2).
Identifiers: ClinVar variation 1255378 (VCV001255378.9), dbSNP rs4758267, ClinGen allele CA5870582.